The following is an entry in ClinVar:

NM_003070.5(SMARCA2):c.875C>T (p.Pro292Leu)

Gene: SMARCA2 (SWI/SNF related BAF chromatin remodeling complex subunit ATPase 2; plus strand). Cytogenetic location: 9p24.3.
Variant type: single nucleotide variant.
Coding change: c.875C>T on transcript NM_003070.5 (MANE Select); coding-DNA position 875, C replaced by T.
Protein change: p.Pro292Leu; replaces proline 292 with leucine.
Molecular consequence: missense variant.
Genome position (GRCh38, 1-based): chr9:2,047,313, C>T. VCF-style: chr9-2047313-C-T. GRCh37 (hg19) VCF-style: chr9-2047313-C-T.
Other names: c.875C>T, p.Pro292Leu (NM_001289396.2, NM_001289397.2, NM_139045.4); short protein forms P292L.
Identifiers: ClinVar variation 2585430 (VCV002585430.26), dbSNP rs779687095, ClinGen allele CA4963018.
Genomic context (GRCh38, chr9:2,047,313, plus strand): 5'-CGAGCACCCCGCAGAAGCTGCCGGTGCCCGCGCCCGGCGGCCGGCCCTCGCCCGCGCCCC[C>T]CGCAGCCGCGCAGCCGCCCGCGGCCGCAGTGCCCGGGCCCTCAGTGCCGCAGCCGGCCCC-3'
Protein context (NP_003061.3, residues 282-302): APGGRPSPAP[Pro292Leu]AAAQPPAAAV

ClinVar aggregate classification (germline): Conflicting classifications of pathogenicity. Review status: criteria provided, conflicting classifications (1 of 4 stars). 3 submissions from 3 submitters: Uncertain significance (2); Likely benign (1). Last evaluated 2024-10-30.

Conditions:
Nicolaides-Baraitser syndrome (NCBRS). Also called: Intellectual disability-sparse hair-brachydactyly syndrome; SMARCA2-Related Nicolaides-Baraitser Syndrome. Identifiers: Orphanet 3051, MedGen C1303073, MONDO:0011053, OMIM 601358.

Allele frequency attached by ClinVar (database versions not stated): gnomAD exomes below 0.00001.
gnomAD v4.1: 1 of 1,022,942 alleles (0.000098%); highest among the groups gnomAD compares: South Asian, 0.0043%; no homozygotes.

Submissions (3):

Labcorp Genetics (formerly Invitae), Labcorp
Classification: Uncertain significance. Last evaluated: 2024-10-30. Review status: criteria provided, single submitter. Criteria: Invitae Variant Classification Sherloc (09022015). Collection method: clinical testing. Allele origin: germline.
Comment: This sequence change replaces proline, which is neutral and non-polar, with leucine, which is neutral and non-polar, at codon 292 of the SMARCA2 protein (p.Pro292Leu). The frequency data for this variant in the population databases is considered unreliable, as metrics indicate insufficient coverage at this position in the gnomAD database. This variant has not been reported in the literature in individuals affected with SMARCA2-related conditions. ClinVar contains an entry for this variant (Variation ID: 2585430). Invitae Evidence Modeling of protein sequence and biophysical properties (such as structural, functional, and spatial information, amino acid conservation, physicochemical variation, residue mobility, and thermodynamic stability) indicates that this missense variant is not expected to disrupt SMARCA2 protein function with a negative predictive value of 80%. In summary, the available evidence is currently insufficient to determine the role of this variant in disease. Therefore, it has been classified as a Variant of Uncertain Significance.

CeGaT Center for Human Genetics Tuebingen
Classification: Likely benign. Last evaluated: 2022-07-01. Review status: criteria provided, single submitter. Criteria: CeGaT Center For Human Genetics Tuebingen Variant Classification Criteria Version 2. Collection method: clinical testing. Allele origin: germline. Affected: yes. Observed: 1 variant allele.
Comment: SMARCA2: PP2, BS2

Neuberg Centre For Genomic Medicine, NCGM
Classification: Uncertain significance for Nicolaides-Baraitser syndrome. Review status: criteria provided, single submitter. Criteria: ACMG Guidelines, 2015. Collection method: clinical testing. Allele origin: germline. Inheritance: Autosomal dominant inheritance. Affected: yes.
Comment: The missense variant c.875C>T (p.Pro292Leu) in SMARCA2 gene has not been reported previously as a pathogenic variant nor as a benign variant, to our knowledge. The p.Pro292Leu variant is novel (not in any individuals) in gnomAD Exomes and 1000 Genomes. The amino acid Pro at position 292 is changed to a Leu changing protein sequence and it might alter its composition and physico-chemical properties. The variant is predicted to be damaging by SIFT and the residue is conserved across species. The amino acid change p.Pro292Leu in SMARCA2 is predicted as conserved by GERP++ and PhyloP across 100 vertebrates. For these reasons, this variant has been classified as Uncertain Significance .